The following is an entry in ClinVar:

ClinVar aggregate classification (germline): Conflicting classifications of pathogenicity. Review status: criteria provided, conflicting classifications (1 of 4 stars). 7 submissions from 7 submitters: Uncertain significance (1); Benign (2); Likely benign (3). 1 of the submissions does not count toward it. Last evaluated 2026-01-11.

Conditions:
GSDME-related disorder. Also called: GSDME-related condition.
Nonsyndromic genetic hearing loss. Also called: Non-syndromic genetic deafness; Nonsyndromic hearing loss and deafness; Nonsyndromic genetic deafness. Identifiers: Orphanet 87884, MedGen C5680182, MONDO:0019497.

Submissions (7):

Labcorp Genetics (formerly Invitae), Labcorp
Classification: Likely benign. Last evaluated: 2026-01-11. Review status: criteria provided, single submitter. Criteria: Invitae Variant Classification Sherloc (09022015). Collection method: clinical testing. Allele origin: germline.

Blueprint Genetics
Classification: Likely benign. Last evaluated: 2024-06-13. Review status: criteria provided, single submitter. Criteria: ACMG Guidelines, 2015. Collection method: clinical testing. Allele origin: germline.

CeGaT Center for Human Genetics Tuebingen
Classification: Benign. Last evaluated: 2022-07-01. Review status: criteria provided, single submitter. Criteria: CeGaT Center For Human Genetics Tuebingen Variant Classification Criteria Version 2. Collection method: clinical testing. Allele origin: germline. Affected: yes. Observed: 1 variant allele.
Comment: GSDME: BS1, BS2

GeneDx
Classification: Likely benign. Last evaluated: 2022-03-14. Review status: criteria provided, single submitter. Criteria: GeneDx Variant Classification Process June 2021. Collection method: clinical testing. Allele origin: germline. Affected: yes.

INGEBI, INGEBI / CONICET
Classification: Benign for Nonsyndromic genetic hearing loss. Last evaluated: 2021-07-15. Review status: criteria provided, single submitter. Criteria: ClinGen HL ACMG Specifications v1. Collection method: clinical testing. Allele origin: germline. Inheritance: Autosomal dominant inheritance. Affected: yes.
Comment: Based on ACMG/AMP guidelines and Hearing Loss Expert Panel specific criteria: The filter allele frequency of c.119dupA in DFNA5 gene is 2.9% (330/10368 with 95%CI) in Ashkenazi Jewish population in gnomad database, exceeding the treshold for autosomal dominant non-syndromic hearing loss stablished by the Hearing Loss Expert Panel group, meeting BA1. Although c.119dup is a frameshift variant (p.Lys41Glufs*113), it was reported that DFNA5-associated hearing loss is caused by a gain-of-function and not haplo-insufficiency (PMID:15173223, 7427029). Therefore PVS1 is not applied. In this report, c.119dupA was a confirmed de novo occurence identified in a sporadic congenital moderate non-syndromic hearing loss patient, meeting PS2. Considering BA1 and PS2, the variant is classifie as Benign.

Laboratory for Molecular Medicine, Mass General Brigham Personalized Medicine
Classification: Uncertain significance. Last evaluated: 2015-11-12. Review status: criteria provided, single submitter. Criteria: LMM Criteria. Collection method: clinical testing. Allele origin: germline. Observed: 1 variant allele.
Comment: Variant classified as Uncertain Significance - Favor Benign. The p.Lys41fs varia nt in DFNA5 has not been previously reported in individuals with hearing loss, b ut has been identified in 0.21% (137/66836) of European chromosomes by the Exome Aggregation Consortium (ExAC; dbSNP rs758488919 ). This variant is predicted to cause a frameshift, which alters the protein?s a mino acid sequence beginning at position 41 and leads to a premature termination codon 113 amino acids downstream. This alteration is then predicted to lead to a truncated or absent protein. However, only variants resulting in altered splic ing and skipping of exon 8 have been reported to be causative for hearing loss t hrough a gain of function mechanism of disease (Van Laer 2004). The p.Lys41fs va riant is located in exon 2 of DFNA5 and is expected to result in loss of functio n (LoF), which is not a known mechanism of hearing loss in this gene. In fact, a frameshift variant in DFNA5 has been reported in members of an Iranian family, in which the variant did not segregate with the hearing loss (Van Laer 2007). In summary, while the clinical significance of the p.Lys41fs variant is uncertain, its frequency in the general population and the lack of evidence supporting a L oF mechanism for hearing loss in DFNA5 suggests it is more likely to be benign.

PreventionGenetics, part of Exact Sciences
Classification: Benign for GSDME-related condition. Last evaluated: 2020-03-12. Review status: no assertion criteria provided. Collection method: clinical testing. Allele origin: germline. Not counted in ClinVar's aggregate classification.
Comment: This variant is classified as benign based on ACMG/AMP sequence variant interpretation guidelines (Richards et al. 2015 PMID: 25741868, with internal and published modifications).

Literature cited by the submitters: PubMed 15173223 (cited by INGEBI, INGEBI / CONICET and Laboratory for Molecular Medicine, Mass General Brigham Personalized Medicine); PubMed 7427029 (cited by INGEBI, INGEBI / CONICET); PubMed 17427029 (cited by Laboratory for Molecular Medicine, Mass General Brigham Personalized Medicine).

NM_004403.3(GSDME):c.119dup (p.Lys41fs)

Gene: GSDME (gasdermin E; minus strand). Cytogenetic location: 7p15.3.
Variant type: Duplication.
Coding change: c.119dup on transcript NM_004403.3; coding-DNA position 119, one base duplicated (A; older notation c.119dupA).
Protein change: p.Lys41fs; shifts the reading frame from lysine 41.
Genome position (GRCh38, 1-based): chr7:24,749,656, T duplicated on the plus strand (A on the coding strand, the reverse complement: GSDME is on the minus strand); the first of 6 consecutive T bases (chr7:24,749,656-24,749,661); duplicating any one gives the same sequence. VCF-style (leftmost placement, unchanged base first): chr7-24749655-C-CT. GRCh37 (hg19) VCF-style: chr7-24789274-C-CT.
Other names: p.Lys41GlufsX113; c.119dup, p.Lys41fs (NM_001127453.2); c.-281-4907dup (NM_001127454.2); c.119dup (NM_004403.2); short protein forms K41fs.
Identifiers: ClinVar variation 228555 (VCV000228555.44), dbSNP rs758488919, ClinGen allele CA4191841.